The following is an entry in ClinVar:

NM_000132.4(F8):c.601+5G>A

Gene: F8 (coagulation factor VIII; minus strand). Cytogenetic location: Xq28.
Variant type: single nucleotide variant.
Coding change: c.601+5G>A on transcript NM_000132.4 (MANE Select); 5 bases into the intron after coding-DNA position 601, G replaced by A.
Molecular consequence: intron variant.
Genome position (GRCh38, 1-based): chrX:154,992,931, C>T on the plus strand (G>A on the coding strand, the complement: F8 is on the minus strand). VCF-style: chrX-154992931-C-T. GRCh37 (hg19) VCF-style: chrX-154221206-C-T.
Identifiers: ClinVar variation 4886886 (VCV004886886.1).

ClinVar aggregate classification (germline): Likely pathogenic (1 of 4 stars; one submission).

Conditions:
Factor VIII deficiency. Identifiers: MedGen C3494187, OMIM 134500.

gnomAD v4.1: 1 of 1,203,528 alleles (0.000083%); highest among the groups gnomAD compares: South Asian, 0.0018%; no homozygotes.

Submission:

North West Genomic Laboratory Hub, Manchester University NHS Foundation Trust
Classification: Likely pathogenic for Factor VIII deficiency. Last evaluated: 2024-11-14. Review status: criteria provided, single submitter. Criteria: ACGS Best Practice Guidelines for Variant Classification in Rare Disease 2024. Collection method: clinical testing. Allele origin: germline. Affected: yes.
Comment: PVS1_Mod PM2_Mod PS4_Mod PP4_Mod